The following is an entry in ClinVar:

ClinVar aggregate classification (germline): Pathogenic (1 of 4 stars; one submission).

Conditions:
Mosaic variegated aneuploidy syndrome 1 (MVA1). Also called: Warburton-Anyane-Yeboa syndrome. Identifiers: Orphanet 1052, MedGen C1850343, MONDO:0009759, OMIM 257300.

Submission:

Labcorp Genetics (formerly Invitae), Labcorp
Classification: Pathogenic for Mosaic variegated aneuploidy syndrome 1. Last evaluated: 2021-04-30. Review status: criteria provided, single submitter. Criteria: Invitae Variant Classification Sherloc (09022015). Collection method: clinical testing. Allele origin: germline.
Comment: This sequence change creates a premature translational stop signal (p.Glu636Argfs*9) in the BUB1B gene. It is expected to result in an absent or disrupted protein product. Loss-of-function variants in BUB1B are known to be pathogenic (PMID: 15475955, 21190457). This variant is not present in population databases (ExAC no frequency). This variant has not been reported in the literature in individuals with BUB1B-related conditions. For these reasons, this variant has been classified as Pathogenic.

Literature cited by the submitters: PubMed 15475955; PubMed 21190457.

NM_001211.6(BUB1B):c.1906del (p.Glu636fs)

Gene: BUB1B (BUB1 mitotic checkpoint serine/threonine kinase B; plus strand). Cytogenetic location: 15q15.1.
Variant type: Deletion.
Coding change: c.1906del on transcript NM_001211.6 (MANE Select); coding-DNA position 1906, one base deleted (G; older notation c.1906delG).
Protein change: p.Glu636fs; shifts the reading frame from glutamic acid 636.
Molecular consequence: frameshift variant.
Genome position (GRCh38, 1-based): chr15:40,206,355, G deleted. VCF-style (leftmost placement, unchanged base first): chr15-40206354-TG-T. GRCh37 (hg19) VCF-style: chr15-40498555-TG-T.
Other names: short protein forms E636fs.
Identifiers: ClinVar variation 1443723 (VCV001443723.6), dbSNP rs2140904074, ClinGen allele CA2573150684.